The following is an entry in ClinVar:

NM_001042432.2(CLN3):c.125+3G>A

Gene: CLN3 (CLN3 lysosomal/endosomal transmembrane protein, battenin; minus strand). Cytogenetic location: 16p12.1.
Variant type: single nucleotide variant.
Coding change: c.125+3G>A on transcript NM_001042432.2 (MANE Select); 3 bases into the intron after coding-DNA position 125, G replaced by A.
Molecular consequence: intron variant.
Genome position (GRCh38, 1-based): chr16:28,491,479, C>T on the plus strand (G>A on the coding strand, the complement: CLN3 is on the minus strand). VCF-style: chr16-28491479-C-T. GRCh37 (hg19) VCF-style: chr16-28502800-C-T.
Other names: c.-38+235G>A (NM_001286109.2, NM_001286110.2); c.125+3G>A (NM_001286104.2, NM_000086.2); c.-96+235G>A (NM_001286105.2).
Identifiers: ClinVar variation 387506 (VCV000387506.12), dbSNP rs775577824, ClinGen allele CA7981071.
Genomic context (GRCh38, chr16:28,491,479, plus strand): 5'-TTTCCTCCGGTCACTTCCCTCTTCTCATGCCATTGTCACTCGCTGAAGTCTCAGGCCACT[C>T]ACCAGAAGCCCACCGCGTTCTTCCAATGCGCGCCCTGATGGTCCAACAGAGGGAGCCGGG-3'

ClinVar aggregate classification (germline): Conflicting classifications of pathogenicity. Review status: criteria provided, conflicting classifications (1 of 4 stars). 6 submissions from 6 submitters: Uncertain significance (2); Likely benign (2). 2 of the submissions do not count toward it. Last evaluated 2026-08-28.

Conditions:
CLN3-related disorder. Also called: CLN3-related condition. Identifiers: MedGen CN382248.
Neuronal ceroid lipofuscinosis. Also called: Neuronal Ceroid Lipofuscinoses. Identifiers: Orphanet 216, Orphanet 79263, MedGen C0027877, MONDO:0016295. Disease mechanism: loss of function.
Neuronal ceroid lipofuscinosis 3 (CLN3). Identifiers: Orphanet 228346, MedGen C0751383, MONDO:0008767, OMIM 204200.

Allele frequency attached by ClinVar (database versions not stated): ExAC 0.00001; gnomAD exomes 0.00002 and 0.00004; gnomAD 0.00003 and 0.00004; TOPMed 0.00004.
gnomAD v4.1: 69 of 1,613,122 alleles (0.0043%); highest among the groups gnomAD compares: Non-Finnish European, 0.0057%; no homozygotes.

Submissions (6):

PreventionGenetics, part of Exact Sciences
Classification: Likely benign for CLN3-related condition. Last evaluated: 2026-08-28. Review status: criteria provided, single submitter. Criteria: ACMG Guidelines, 2015. Collection method: clinical testing. Allele origin: germline.
Comment: This variant is classified as likely benign based on ACMG/AMP sequence variant interpretation guidelines (Richards et al. 2015 PMID: 25741868, with internal and published modifications).

Labcorp Genetics (formerly Invitae), Labcorp
Classification: Uncertain significance for Neuronal ceroid lipofuscinosis. Last evaluated: 2022-05-27. Review status: criteria provided, single submitter. Criteria: Invitae Variant Classification Sherloc (09022015). Collection method: clinical testing. Allele origin: germline.
Comment: This sequence change falls in intron 3 of the CLN3 gene. It does not directly change the encoded amino acid sequence of the CLN3 protein. It affects a nucleotide within the consensus splice site. This variant is present in population databases (rs775577824, gnomAD 0.004%). This variant has not been reported in the literature in individuals affected with CLN3-related conditions. ClinVar contains an entry for this variant (Variation ID: 387506). Variants that disrupt the consensus splice site are a relatively common cause of aberrant splicing (PMID: 17576681, 9536098). Algorithms developed to predict the effect of sequence changes on RNA splicing suggest that this variant is not likely to affect RNA splicing. In summary, the available evidence is currently insufficient to determine the role of this variant in disease. Therefore, it has been classified as a Variant of Uncertain Significance.

Genome-Nilou Lab
Classification: Uncertain significance for Neuronal ceroid lipofuscinosis 3. Last evaluated: 2021-08-10. Review status: criteria provided, single submitter. Criteria: ACMG Guidelines, 2015. Collection method: clinical testing. Allele origin: germline. Affected: no.

GeneDx
Classification: Likely benign. Last evaluated: 2016-07-11. Review status: criteria provided, single submitter. Criteria: GeneDx Variant Classification (06012015). Collection method: clinical testing. Allele origin: germline. Affected: yes.
Comment: This variant is considered likely benign or benign based on one or more of the following criteria: it is a conservative change, it occurs at a poorly conserved position in the protein, it is predicted to be benign by multiple in silico algorithms, and/or has population frequency not consistent with disease.

Natera, Inc.
Classification: Uncertain significance for Neuronal ceroid lipofuscinosis. Last evaluated: 2020-04-24. Review status: no assertion criteria provided. Collection method: clinical testing. Allele origin: germline. Not counted in ClinVar's aggregate classification.

Mayo Clinic Laboratories, Mayo Clinic
Classification: Uncertain significance. Last evaluated: 2017-05-31. Review status: no assertion criteria provided. Collection method: clinical testing. Allele origin: unknown. Not counted in ClinVar's aggregate classification.

Literature cited by the submitters: PubMed 17576681 (cited by Labcorp Genetics (formerly Invitae), Labcorp); PubMed 9536098 (cited by Labcorp Genetics (formerly Invitae), Labcorp).